The following is an entry in ClinVar:

ClinVar aggregate classification (germline): Uncertain significance. Review status: criteria provided, multiple submitters, no conflicts (2 of 4 stars). 3 submissions from 3 submitters: Uncertain significance (3). Last evaluated 2025-12-10.

Conditions:
Cardiomyopathy (CMYO). Also called: Cardiomyopathies. Identifiers: Orphanet 167848, MedGen C0878544, MONDO:0004994, HP:0001638. Inheritance: Various modes of inheritance.
Dilated cardiomyopathy 1DD (CMD1DD). Identifiers: Orphanet 154, MedGen C2750995, MONDO:0013168, OMIM 613172.
Cardiovascular phenotype. Identifiers: MedGen CN230736.

Allele frequency attached by ClinVar (database versions not stated): TOPMed below 0.00001.
gnomAD v4.1: 1 of 1,452,712 alleles (0.000069%); no homozygotes.

Submissions (3):

Ambry Genetics
Classification: Uncertain significance for Cardiovascular phenotype. Last evaluated: 2025-12-10. Review status: criteria provided, single submitter. Criteria: Ambry Variant Classification Scheme 2023. Collection method: clinical testing. Allele origin: germline.
Comment: The p.E843G variant (also known as c.2528A>G), located in coding exon 9 of the RBM20 gene, results from an A to G substitution at nucleotide position 2528. The glutamic acid at codon 843 is replaced by glycine, an amino acid with similar properties. This amino acid position is conserved. In addition, this alteration is predicted to be tolerated by in silico analysis. Since supporting evidence is limited at this time, the clinical significance of this alteration remains unclear.

Labcorp Genetics (formerly Invitae), Labcorp
Classification: Uncertain significance for Dilated cardiomyopathy 1DD. Last evaluated: 2025-12-09. Review status: criteria provided, single submitter. Criteria: Invitae Variant Classification Sherloc (09022015). Collection method: clinical testing. Allele origin: germline.
Comment: This sequence change replaces glutamic acid, which is acidic and polar, with glycine, which is neutral and non-polar, at codon 843 of the RBM20 protein (p.Glu843Gly). This variant is not present in population databases (gnomAD no frequency). This missense change has been observed in individual(s) with peripartum cardiomyopathy (internal data). ClinVar contains an entry for this variant (Variation ID: 950863). Invitae Evidence Modeling of protein sequence and biophysical properties (such as structural, functional, and spatial information, amino acid conservation, physicochemical variation, residue mobility, and thermodynamic stability) indicates that this missense variant is not expected to disrupt RBM20 protein function with a negative predictive value of 95%. In summary, the available evidence is currently insufficient to determine the role of this variant in disease. Therefore, it has been classified as a Variant of Uncertain Significance.

CHEO Genetics Diagnostic Laboratory, Children's Hospital of Eastern Ontario
Classification: Uncertain significance for Cardiomyopathy. Last evaluated: 2023-02-24. Review status: criteria provided, single submitter. Criteria: ACMG Guidelines, 2015. Collection method: clinical testing. Allele origin: germline.

NM_001134363.3(RBM20):c.2528A>G (p.Glu843Gly)

Gene: RBM20 (RNA binding motif protein 20; plus strand). Cytogenetic location: 10q25.2.
Variant type: single nucleotide variant.
Coding change: c.2528A>G on transcript NM_001134363.3 (MANE Select); coding-DNA position 2528, A replaced by G.
Protein change: p.Glu843Gly; replaces glutamic acid 843 with glycine.
Molecular consequence: missense variant.
Genome position (GRCh38, 1-based): chr10:110,812,925, A>G. VCF-style: chr10-110812925-A-G. GRCh37 (hg19) VCF-style: chr10-112572683-A-G.
Other names: c.2528A>G (NM_001134363.1); short protein forms E843G.
Identifiers: ClinVar variation 950863 (VCV000950863.9), dbSNP rs1844794265, ClinGen allele CA378374697.
Genomic context (GRCh38, chr10:110,812,925, plus strand): 5'-ATGAGAAAAATAAAACCAAGAGAACTGATAGAGACCAAGAAGGAGCTGATGATAGAAAAG[A>G]AAACACAATGGCAGAGAATGAGGTAATGATCAATTTCTTCCCCAGGTAAGGCGAGGCAGG-3'
Protein context (NP_001127835.2, residues 833-853): RDQEGADDRK[Glu843Gly]NTMAENEAGK